The following is an entry in ClinVar:

ClinVar aggregate classification (germline): Uncertain significance (1 of 4 stars; one submission).

Allele frequency attached by ClinVar (database versions not stated): gnomAD 0.00001; TOPMed 0.00001; ESP Exome Variant Server 0.00008.
gnomAD v4.1: 14 of 1,614,046 alleles (0.00087%); highest among the groups gnomAD compares: South Asian, 0.0022%; no homozygotes.

Submission:

Labcorp Genetics (formerly Invitae), Labcorp
Classification: Uncertain significance. Last evaluated: 2024-10-24. Review status: criteria provided, single submitter. Criteria: Invitae Variant Classification Sherloc (09022015). Collection method: clinical testing. Allele origin: germline.
Comment: This sequence change replaces arginine, which is basic and polar, with cysteine, which is neutral and slightly polar, at codon 833 of the LAMC3 protein (p.Arg833Cys). This variant is present in population databases (rs375538194, gnomAD 0.002%). This variant has not been reported in the literature in individuals affected with LAMC3-related conditions. ClinVar contains an entry for this variant (Variation ID: 2185444). An algorithm developed to predict the effect of missense changes on protein structure and function (PolyPhen-2) suggests that this variant is likely to be disruptive. In summary, the available evidence is currently insufficient to determine the role of this variant in disease. Therefore, it has been classified as a Variant of Uncertain Significance.

NM_006059.4(LAMC3):c.2497C>T (p.Arg833Cys)

Gene: LAMC3 (laminin subunit gamma 3; plus strand). Cytogenetic location: 9q34.12.
Variant type: single nucleotide variant.
Coding change: c.2497C>T on transcript NM_006059.4 (MANE Select); coding-DNA position 2497, C replaced by T.
Protein change: p.Arg833Cys; replaces arginine 833 with cysteine.
Molecular consequence: missense variant.
Genome position (GRCh38, 1-based): chr9:131,067,109, C>T. VCF-style: chr9-131067109-C-T. GRCh37 (hg19) VCF-style: chr9-133942496-C-T.
Other names: short protein forms R833C.
Identifiers: ClinVar variation 2185444 (VCV002185444.4), dbSNP rs375538194, ClinGen allele CA200663199.